The following is an entry in ClinVar:

ClinVar aggregate classification (germline): Likely benign (1 of 4 stars; one submission).

Submission:

CeGaT Center for Human Genetics Tuebingen
Classification: Likely benign. Last evaluated: 2022-05-01. Review status: criteria provided, single submitter. Criteria: CeGaT Center For Human Genetics Tuebingen Variant Classification Criteria Version 2. Collection method: clinical testing. Allele origin: germline. Affected: yes. Observed: 1 variant allele.
Comment: KDM4E: PM2:Supporting, BP4, BP7

NM_001161630.1(KDM4E):c.1158G>A (p.Val386=)

Gene: KDM4E (lysine demethylase 4E; plus strand). Cytogenetic location: 11q21.
Variant type: single nucleotide variant.
Coding change: c.1158G>A on transcript NM_001161630.1 (MANE Select); coding-DNA position 1158, G replaced by A.
Protein change: p.Val386=; no amino-acid change (valine 386 retained).
Molecular consequence: synonymous variant.
Genome position (GRCh38, 1-based): chr11:95,026,715, G>A. VCF-style: chr11-95026715-G-A. GRCh37 (hg19) VCF-style: chr11-94759879-G-A.
Identifiers: ClinVar variation 2642301 (VCV002642301.24), dbSNP rs926836009, ClinGen allele CA476489247.